The following is an entry in ClinVar:

NM_001145319.2(PLS1):c.1774C>T (p.Arg592Ter)

Gene: PLS1 (plastin 1; plus strand). Cytogenetic location: 3q23.
Variant type: single nucleotide variant.
Coding change: c.1774C>T on transcript NM_001145319.2 (MANE Select); coding-DNA position 1774, C replaced by T.
Protein change: p.Arg592Ter; replaces arginine 592 with a stop codon.
Molecular consequence: nonsense.
Genome position (GRCh38, 1-based): chr3:142,711,891, C>T. VCF-style: chr3-142711891-C-T. GRCh37 (hg19) VCF-style: chr3-142430733-C-T.
Other names: c.1774C>T, p.Arg592Ter (NM_001172312.2, NM_002670.3); short protein forms R592*.
Identifiers: ClinVar variation 4981585 (VCV004981585.1).
Genomic context (GRCh38, chr3:142,711,891, plus strand): 5'-CACAGTGGATAACACCAAGATATTTTTCTTGTCTCTTCAAGATACGCCATTTCAGTTGCT[C>T]GAAAGATCGGTGCCCGGATATATGCATTACCTGATGACCTCGTAGAAGTGAAACCAAAGA-3'

ClinVar aggregate classification (germline): Uncertain significance (1 of 4 stars; one submission).

Conditions:
PLS1-related disorder. Also called: PLS1-related condition.

gnomAD v4.1: 399 of 1,613,406 alleles (0.025%); highest among the groups gnomAD compares: Non-Finnish European, 0.033%; no homozygotes.

Submission:

PreventionGenetics, part of Exact Sciences
Classification: Uncertain significance for PLS1-related condition. Last evaluated: 2026-06-09. Review status: criteria provided, single submitter. Criteria: ACMG Guidelines, 2015. Collection method: clinical testing. Allele origin: germline.
Comment: The PLS1 c.1774C>T variant is predicted to result in premature protein termination (p.Arg592*). To our knowledge, this variant has not been reported in the literature. This variant is reported in 0.035% of alleles in individuals of European (Non-Finnish) descent in gnomAD. Although we suspect that this variant may be benign, at this time, the clinical significance of this variant is uncertain due to the absence of conclusive functional and genetic evidence.